The following is an entry in ClinVar:

NM_001967.4(EIF4A2):c.481G>C (p.Gly161Arg)

Gene: EIF4A2 (eukaryotic translation initiation factor 4A2; plus strand). Cytogenetic location: 3q27.3.
Variant type: single nucleotide variant.
Coding change: c.481G>C on transcript NM_001967.4 (MANE Select); coding-DNA position 481, G replaced by C.
Protein change: p.Gly161Arg; replaces glycine 161 with arginine.
Molecular consequence: missense variant.
Genome position (GRCh38, 1-based): chr3:186,786,015, G>C. VCF-style: chr3-186786015-G-C. GRCh37 (hg19) VCF-style: chr3-186503804-G-C.
Other names: short protein forms G161R.
Identifiers: ClinVar variation 3775303 (VCV003775303.1).

ClinVar aggregate classification (germline): Uncertain significance (1 of 4 stars; one submission).

Conditions:
Neurodevelopmental disorder with hypotonia and speech delay, with or without seizures (NEDHSS). Identifiers: MedGen C5830654, MONDO:0957541, OMIM 620455.

Submission:

3billion
Classification: Uncertain significance for Neurodevelopmental disorder with hypotonia and speech delay, with or without seizures. Last evaluated: 2024-01-22. Review status: criteria provided, single submitter. Criteria: ACMG Guidelines, 2015. Collection method: clinical testing. Allele origin: germline. Affected: yes.
Comment: The variant is not observed in the gnomAD v2.1.1 dataset. Predicted Consequence/Location: Missense changes are a common disease-causing mechanism. In silico tool predictions suggest damaging effect of the variant on gene or gene product [REVEL: 0.61 (>=0.6, sensitivity 0.68 and specificity 0.92); 3Cnet: 0.04 (>=0.6, sensitivity 0.72 and precision 0.9)]. A different missense change at the same codon (p.Gly161Trp) has been reported to be associated with EIF4A2 related disorder (ClinVar ID: VCV001712247 / PMID: 36528028). However the evidence of pathogenicity is insufficient at this time. Therefore, this variant is classified as VUS according to the recommendation of ACMG/AMP guideline.

Literature cited by the submitters: PubMed 36528028.